The following is an entry in ClinVar:

NM_001323289.2(CDKL5):c.320T>A (p.Val107Asp)

Gene: CDKL5 (cyclin dependent kinase like 5; plus strand). Cytogenetic location: Xp22.13.
Variant type: single nucleotide variant.
Coding change: c.320T>A on transcript NM_001323289.2 (MANE Select); coding-DNA position 320, T replaced by A.
Protein change: p.Val107Asp; replaces valine 107 with aspartic acid.
Molecular consequence: missense variant.
Genome position (GRCh38, 1-based): chrX:18,579,885, T>A. VCF-style: chrX-18579885-T-A. GRCh37 (hg19) VCF-style: chrX-18598005-T-A.
Other names: NM_003159.3:c.320T>A; c.320T>A, p.Val107Asp (NM_001037343.2, NM_003159.3); short protein forms V107D.
Identifiers: ClinVar variation 3775037 (VCV003775037.1), dbSNP rs587783076.

ClinVar aggregate classification (germline): Uncertain significance (3 of 4 stars; one submission).

Conditions:
CDKL5 disorder. Identifiers: MedGen CN296942, MONDO:0100039.

Submission:

ClinGen Rett and Angelman-like Disorders Variant Curation Expert Panel
Classification: Uncertain significance for CDKL5 disorder. Last evaluated: 2025-02-28. Review status: reviewed by expert panel. Criteria: ClinGen RettAS ACMG Specifications CDKL5 V4.0.0. Collection method: curation. Allele origin: germline. Inheritance: X-linked inheritance.
Comment: The c.320T>A (p.Val107Asp) variant in CDKL5 has been reported in 1 proband meeting the CDKL5 disorder phenotypic spectrum, but not meeting the specificity required for PP4 (PP4_not_met). PS4_Supporting cannot be applied because additional observations are required (CDKL5 registry, internal database)(PS4_Supporting_not_met). The p.Val107Asp variant in CDKL5 is absent from gnomAD v4.1 (PM2_Supporting). The computational predictor REVEL gives a score of 0.680, which is above the threshold of 0.644, evidence that correlates with impact to CDKL5 function (PP3). In summary, this variant meets the criteria to be classified as a variant of uncertain significance for CDKL5 disorder based on the ACMG/AMP criteria applied, as specified by the ClinGen Rett and Angelman-like disorders VCEP: (PM2_supporting, PP3) (CDKL5 specifications version 4.0; 02/28/2025).